The following is an entry in ClinVar:

NM_004415.4(DSP):c.4512C>T (p.Asn1504=)

Gene: DSP (desmoplakin; plus strand). Cytogenetic location: 6p24.3.
Variant type: single nucleotide variant.
Coding change: c.4512C>T on transcript NM_004415.4 (MANE Select); coding-DNA position 4512, C replaced by T.
Protein change: p.Asn1504=; no amino-acid change (asparagine 1504 retained).
Molecular consequence: synonymous variant. On other transcripts: intron variant (2).
Genome position (GRCh38, 1-based): chr6:7,580,702, C>T. VCF-style: chr6-7580702-C-T. GRCh37 (hg19) VCF-style: chr6-7580935-C-T.
Other names: c.4050+462C>T (NM_001319034.2); c.3582+930C>T (NM_001008844.3).
Identifiers: ClinVar variation 926292 (VCV000926292.13), dbSNP rs140993677, ClinGen allele CA041806.

ClinVar aggregate classification (germline): Likely benign. Review status: criteria provided, multiple submitters, no conflicts (2 of 4 stars). 4 submissions from 4 submitters: Likely benign (4). Last evaluated 2025-03-23.

Conditions:
Cardiovascular phenotype. Identifiers: MedGen CN230736.
Arrhythmogenic right ventricular dysplasia 8 (ARVD8). Also called: Arrhythmogenic Right Ventricular Dysplasia/Cardiomyopathy 8; ARRHYTHMOGENIC RIGHT VENTRICULAR DYSPLASIA, FAMILIAL, 8; ARRHYTHMOGENIC RIGHT VENTRICULAR CARDIOMYOPATHY 8. Identifiers: MedGen C1843896, MONDO:0011831, OMIM 607450.
Arrhythmogenic cardiomyopathy with wooly hair and keratoderma. Also called: PALMOPLANTAR KERATODERMA WITH LEFT VENTRICULAR CARDIOMYOPATHY AND WOOLLY HAIR; Carvajal syndrome; Dilated cardiomyopathy with woolly hair and keratoderma; Arrhythmogenic cardiomyopathy with woolly hair and keratoderma. Identifiers: Orphanet 65282, MedGen C1854063, MONDO:0011581, OMIM 605676.
Cardiomyopathy (CMYO). Also called: Cardiomyopathies. Identifiers: Orphanet 167848, MedGen C0878544, MONDO:0004994, HP:0001638. Inheritance: Various modes of inheritance.

Allele frequency attached by ClinVar (database versions not stated): gnomAD exomes below 0.00001; ExAC 0.00001; gnomAD 0.00001; TOPMed 0.00001; 1000 Genomes Project 30x 0.00016; 1000 Genomes Project 0.00020.
gnomAD v4.1: 8 of 1,613,958 alleles (0.0005%); highest among the groups gnomAD compares: Middle Eastern, 0.033%; no homozygotes.

Submissions (4):

Labcorp Genetics (formerly Invitae), Labcorp
Classification: Likely benign for Arrhythmogenic cardiomyopathy with wooly hair and keratoderma; Arrhythmogenic right ventricular dysplasia 8. Last evaluated: 2025-03-23. Review status: criteria provided, single submitter. Criteria: Invitae Variant Classification Sherloc (09022015). Collection method: clinical testing. Allele origin: germline.

All of Us Research Program, National Institutes of Health
Classification: Likely benign for Arrhythmogenic cardiomyopathy with wooly hair and keratoderma. Last evaluated: 2023-12-18. Review status: criteria provided, single submitter. Criteria: ACMG Guidelines, 2015. Collection method: clinical testing. Allele origin: germline. Inheritance: Autosomal dominant inheritance. Observed: 1 variant allele, 1 heterozygote.
Comment: This study involves interpretation of variants in research participants for the purpose of population health screening. Participant phenotype was not available at the time of variant classification. Additional details can be found in publication PMID: 35346344, PMCID: PMC8962531

Ambry Genetics
Classification: Likely benign for Cardiovascular phenotype. Last evaluated: 2023-07-19. Review status: criteria provided, single submitter. Criteria: Ambry Variant Classification Scheme 2023. Collection method: clinical testing. Allele origin: germline.

Color Diagnostics, LLC DBA Color Health
Classification: Likely benign for Cardiomyopathy. Last evaluated: 2019-08-02. Review status: criteria provided, single submitter. Criteria: ACMG Guidelines, 2015. Collection method: clinical testing. Allele origin: germline.